The following is an entry in ClinVar:

NM_004006.3(DMD):c.1433del (p.Pro478fs)

Gene: DMD (dystrophin; minus strand). Cytogenetic location: Xp21.1.
Variant type: Deletion.
Coding change: c.1433del on transcript NM_004006.3 (MANE Select); coding-DNA position 1433, one base deleted (C; older notation c.1433delC).
Protein change: p.Pro478fs; shifts the reading frame from proline 478.
Molecular consequence: frameshift variant.
Genome position (GRCh38, 1-based): chrX:32,614,352, G deleted on the plus strand (C on the coding strand, the reverse complement: DMD is on the minus strand); the first of 2 consecutive G bases (chrX:32,614,352-32,614,353); deleting either gives the same sequence. VCF-style (leftmost placement, unchanged base first): chrX-32614351-AG-A. GRCh37 (hg19) VCF-style: chrX-32632468-AG-A.
Other names: c.1409del, p.Pro470fs (NM_000109.4); c.1421del, p.Pro474fs (NM_004009.3); c.1064del, p.Pro355fs (NM_004010.3); short protein forms P355fs, P470fs, P478fs, P474fs.
Identifiers: ClinVar variation 1457795 (VCV001457795.6), dbSNP rs2149349862, ClinGen allele CA2573158695.

ClinVar aggregate classification (germline): Pathogenic (1 of 4 stars; one submission).

Conditions:
Duchenne muscular dystrophy (DMD). Also called: Duchenne Muscular Dystrophy (DMD); MUSCULAR DYSTROPHY, PSEUDOHYPERTROPHIC PROGRESSIVE, DUCHENNE TYPE. Identifiers: Orphanet 98896, MedGen C0013264, MONDO:0010679, OMIM 310200.

Submission:

Labcorp Genetics (formerly Invitae), Labcorp
Classification: Pathogenic for Duchenne muscular dystrophy. Last evaluated: 2021-04-10. Review status: criteria provided, single submitter. Criteria: Invitae Variant Classification Sherloc (09022015). Collection method: clinical testing. Allele origin: germline.
Comment: This variant has not been reported in the literature in individuals with DMD-related conditions. For these reasons, this variant has been classified as Pathogenic. This variant is not present in population databases (ExAC no frequency). This sequence change creates a premature translational stop signal (p.Pro478Leufs*9) in the DMD gene. It is expected to result in an absent or disrupted protein product. Loss-of-function variants in DMD are known to be pathogenic (PMID: 16770791, 25007885).

Literature cited by the submitters: PubMed 16770791; PubMed 25007885.